The following is an entry in ClinVar:

ClinVar aggregate classification (germline): Pathogenic/Likely pathogenic. Review status: criteria provided, multiple submitters, no conflicts (2 of 4 stars). 5 submissions from 5 submitters: Pathogenic (3); Likely pathogenic (1). 1 of the submissions does not count toward it. Last evaluated 2024-08-12.

Conditions:
MYBPC3-related disorder. Also called: MYBPC3-related disorders; MYBPC3-related condition; MYBPC3-related disease.
Hypertrophic cardiomyopathy. Also called: HYPERTROPHIC MYOCARDIOPATHY. Identifiers: Orphanet 217569, MedGen C0007194, MeSH D002312, MONDO:0005045, HP:0001639.
Cardiomyopathy (CMYO). Also called: Cardiomyopathies. Identifiers: Orphanet 167848, MedGen C0878544, MONDO:0004994, HP:0001638. Inheritance: Various modes of inheritance.

Submissions (5):

Blueprint Genetics
Classification: Pathogenic for MYBPC3-related disorders. Last evaluated: 2024-08-12. Review status: criteria provided, single submitter. Criteria: ACMG Guidelines, 2015. Collection method: clinical testing. Allele origin: germline. Affected: yes. Observed: 3 variant alleles.

CHEO Genetics Diagnostic Laboratory, Children's Hospital of Eastern Ontario
Classification: Pathogenic for Cardiomyopathy. Last evaluated: 2022-12-01. Review status: criteria provided, single submitter. Criteria: ACMG Guidelines, 2015. Collection method: clinical testing. Allele origin: germline.

GeneDx
Classification: Likely pathogenic. Last evaluated: 2022-06-01. Review status: criteria provided, single submitter. Criteria: GeneDx Variant Classification Process June 2021. Collection method: clinical testing. Allele origin: germline. Affected: yes.
Comment: Has been reported in association with cardiomyopathy or HCM (Alfares et al., 2015; Waldmuller et al., 011; Walsh et al., 2014; Grondin et al, 2-21); Not observed at significant frequency in large population cohorts (gnomAD); Nonsense variant predicted to result in protein truncation or nonsense mediated decay in a gene for which loss of function is a known mechanism of disease; This variant is associated with the following publications: (PMID: 21750094, 25611685, 27532257, 33673806, 35352813)

Labcorp Genetics (formerly Invitae), Labcorp
Classification: Pathogenic for Hypertrophic cardiomyopathy. Last evaluated: 2021-12-12. Review status: criteria provided, single submitter. Criteria: Invitae Variant Classification Sherloc (09022015). Collection method: clinical testing. Allele origin: germline.
Comment: For these reasons, this variant has been classified as Pathogenic. ClinVar contains an entry for this variant (Variation ID: 164095). This premature translational stop signal has been observed in individual(s) with hypertrophic or dilated cardiomyopathy (PMID: 21750094, 25611685, 27532257, 33673806). This variant is not present in population databases (gnomAD no frequency). This sequence change creates a premature translational stop signal (p.Cys623*) in the MYBPC3 gene. It is expected to result in an absent or disrupted protein product. Loss-of-function variants in MYBPC3 are known to be pathogenic (PMID: 19574547).

Laboratory for Molecular Medicine, Mass General Brigham Personalized Medicine
Classification: Pathogenic for Hypertrophic cardiomyopathy. Last evaluated: 2013-03-04. Review status: no assertion criteria provided. Collection method: clinical testing. Allele origin: germline. Inheritance: Autosomal dominant inheritance. Observed: 2 variant alleles. Not counted in ClinVar's aggregate classification.
Comment: proposed classification - variant undergoing re-assessment, contact laboratory

Literature cited by the submitters: PubMed 21750094 (cited by Labcorp Genetics (formerly Invitae), Labcorp); PubMed 25611685 (cited by Labcorp Genetics (formerly Invitae), Labcorp); PubMed 27532257 (cited by Labcorp Genetics (formerly Invitae), Labcorp); PubMed 33673806 (cited by Labcorp Genetics (formerly Invitae), Labcorp); PubMed 19574547 (cited by Labcorp Genetics (formerly Invitae), Labcorp).

NM_000256.3(MYBPC3):c.1869C>A (p.Cys623Ter)

Gene: MYBPC3 (myosin binding protein C3; minus strand). Cytogenetic location: 11p11.2.
Variant type: single nucleotide variant.
Coding change: c.1869C>A on transcript NM_000256.3 (MANE Select); coding-DNA position 1869, C replaced by A.
Protein change: p.Cys623Ter; replaces cysteine 623 with a stop codon.
Molecular consequence: nonsense.
Genome position (GRCh38, 1-based): chr11:47,341,166, G>T on the plus strand (C>A on the coding strand, the complement: MYBPC3 is on the minus strand). VCF-style: chr11-47341166-G-T. GRCh37 (hg19) VCF-style: chr11-47362717-G-T.
Other names: short protein forms C623*.
Identifiers: ClinVar variation 164095 (VCV000164095.12), dbSNP rs397515932, ClinGen allele CA011370.
Genomic context (GRCh38, chr11:47,341,166, plus strand): 5'-CCCCGACCCACCCTACCCTGGAGCAGGCTCACCCATGAAGTGGAGCTTGGCTGACAGGTT[G>T]CAGGCGAAGCCCTCGGGCACAAAGCTGTAGTCAGCCTCGTCGGCAGGTGTGACGTCGTCA-3'